The following is an entry in ClinVar:

ClinVar aggregate classification (germline): Pathogenic (1 of 4 stars; one submission).

Submission:

Quest Diagnostics Nichols Institute San Juan Capistrano
Classification: Pathogenic. Last evaluated: 2021-08-09. Review status: criteria provided, single submitter. Criteria: ACMG/ClinGen CNV Guidelines, 2019. Collection method: clinical testing. Allele origin: unknown.
Comment: The large terminal gain of 13q22.1qter involves many protein coding genes and is expected to cause phenotypic and/or developmental abnormalities. Patients with partial trisomy of the distal segment of chromosome 13q (13q22qter) have been reported. There was no heart defect reported (Patil et al., Am J Med Genet A. 2007 Jan 1;143A(1):82-4. PMID: 17163534). Recently, Brogna et al. reported a de novo 13q22.1q34 duplication (41.7 Mb) in an adult patient with hemiparesis related to both ischemic and hemorrhagic cerebral lesions compatible with cerebral vasculitis (Brogna et al., Brain Sci. 2020 Dec 26;11(1):21. PMID: 33375380). Other phenotypes include postaxial polydactyly of the hands, mild motor development delay, intellectual disability, and epilepsy. The authors suggest that GPC5 and GPC6 genes may be responsible for postaxial polydactyly, and STK24 as a candidate gene for intellectual disability and epilepsy, and that TNFSF13B and PROZ may be responsible for cerebral vasculitis and cerebral hemorrhage/thrombosis. In addition, the current large gain also includes multiple genes that are associated with autosomal dominant OMIM phenotype: EDNRB (OMIM 277580), POU4F1 (OMIM 619352), SPRY2 (OMIM 616818), SLITRK1 (OMIM 613229, 137580), DZIP1 (OMIM 610840), ZIC2 (OMIM 609637), NALCN (OMIM 616266), FGF14 (OMIM 609307), IRS2 (OMIM 125853), COL4A1 (OMIM 180000, 614519, 611773, 175780, 618564), and COL4A2 (OMIM 614519, 614483).

GRCh37/hg19 13q22.1-34(chr13:75268539-115107733)x3

Genes: MIR92A1 (microRNA 92a-1; plus strand), STK24 (serine/threonine kinase 24; minus strand), SWINGN (SWI/SNF complex interacting GAS6 enhancer non-coding RNA; minus strand), MYCBP2 (MYC binding protein 2; minus strand), MYO16 (myosin XVI; plus strand) and 113 more. Cytogenetic location: 13q22.1-34.
Variant type: copy number gain.
Change: copy number 3 (three copies instead of two) of chr13:75,268,539-115,107,733 (39.84 Mb, GRCh37 coordinates, 1-based), cytogenetic band 13q22.1-34.
Identifiers: ClinVar variation 1807731 (VCV001807731.1).